The following is an entry in ClinVar:

ClinVar aggregate classification (germline): Uncertain significance. Review status: criteria provided, multiple submitters, no conflicts (2 of 4 stars). 2 submissions from 2 submitters: Uncertain significance (2). Last evaluated 2025-02-26.

gnomAD v4.1: 4 of 1,609,736 alleles (0.00025%); highest among the groups gnomAD compares: Non-Finnish European, 0.00034%; no homozygotes.

Submissions (2):

Labcorp Genetics (formerly Invitae), Labcorp
Classification: Uncertain significance. Last evaluated: 2025-02-26. Review status: criteria provided, single submitter. Criteria: Invitae Variant Classification Sherloc (09022015). Collection method: clinical testing. Allele origin: germline.
Comment: This sequence change replaces glycine, which is neutral and non-polar, with aspartic acid, which is acidic and polar, at codon 921 of the OPA1 protein (p.Gly921Asp). This variant is not present in population databases (gnomAD no frequency). This variant has not been reported in the literature in individuals affected with OPA1-related conditions. Invitae Evidence Modeling of protein sequence and biophysical properties (such as structural, functional, and spatial information, amino acid conservation, physicochemical variation, residue mobility, and thermodynamic stability) indicates that this missense variant is not expected to disrupt OPA1 protein function with a negative predictive value of 80%. In summary, the available evidence is currently insufficient to determine the role of this variant in disease. Therefore, it has been classified as a Variant of Uncertain Significance.

Blueprint Genetics
Classification: Uncertain significance. Last evaluated: 2022-02-05. Review status: criteria provided, single submitter. Criteria: ACMG Guidelines, 2015. Collection method: clinical testing. Allele origin: germline.

NM_130837.3(OPA1):c.2927G>A (p.Gly976Asp)

Gene: OPA1 (OPA1 mitochondrial dynamin like GTPase; plus strand). Cytogenetic location: 3q29.
Variant type: single nucleotide variant.
Coding change: c.2927G>A on transcript NM_130837.3 (MANE Select); coding-DNA position 2927, G replaced by A.
Protein change: p.Gly976Asp; replaces glycine 976 with aspartic acid.
Molecular consequence: missense variant.
Genome position (GRCh38, 1-based): chr3:193,667,224, G>A. VCF-style: chr3-193667224-G-A. GRCh37 (hg19) VCF-style: chr3-193385013-G-A.
Other names: c.2393G>A, p.Gly798Asp (NM_001354663.2); c.2390G>A, p.Gly797Asp (NM_001354664.2); c.2762G>A, p.Gly921Asp (NM_015560.3); c.2654G>A, p.Gly885Asp (NM_130831.3); c.2708G>A, p.Gly903Asp (NM_130832.3); c.2765G>A, p.Gly922Asp (NM_130833.3); c.2816G>A, p.Gly939Asp (NM_130834.3); c.2819G>A, p.Gly940Asp (NM_130835.3); and 1 more; short protein forms G797D, G922D, G798D, G885D, G903D, G940D, G976D, G921D.
Identifiers: ClinVar variation 4700658 (VCV004700658.2).